The following is an entry in ClinVar:

ClinVar aggregate classification (germline): Uncertain significance (1 of 4 stars; one submission).

Conditions:
Familial encephalopathy with neuroserpin inclusion bodies. Also called: ENCEPHALOPATHY, FAMILIAL, WITH COLLINS BODIES. Identifiers: Orphanet 85110, MedGen C1858680, MONDO:0011412, OMIM 604218.

Submission:

Labcorp Genetics (formerly Invitae), Labcorp
Classification: Uncertain significance for Familial encephalopathy with neuroserpin inclusion bodies. Last evaluated: 2020-11-14. Review status: criteria provided, single submitter. Criteria: Invitae Variant Classification Sherloc (09022015). Collection method: clinical testing. Allele origin: germline.
Comment: In summary, the available evidence is currently insufficient to determine the role of this variant in disease. Therefore, it has been classified as a Variant of Uncertain Significance. This sequence change replaces glutamic acid with glutamine at codon 409 of the SERPINI1 protein (p.Glu409Gln). The glutamic acid residue is highly conserved and there is a small physicochemical difference between glutamic acid and glutamine. This variant is not present in population databases (ExAC no frequency). This variant has not been reported in the literature in individuals with SERPINI1-related conditions. Advanced modeling of protein sequence and biophysical properties (such as structural, functional, and spatial information, amino acid conservation, physicochemical variation, residue mobility, and thermodynamic stability) performed at Invitae indicates that this missense variant is not expected to disrupt SERPINI1 protein function.

NM_001122752.2(SERPINI1):c.1225G>C (p.Glu409Gln)

Gene: SERPINI1 (serpin family I member 1; plus strand). Cytogenetic location: 3q26.1.
Variant type: single nucleotide variant.
Coding change: c.1225G>C on transcript NM_001122752.2 (MANE Select); coding-DNA position 1225, G replaced by C.
Protein change: p.Glu409Gln; replaces glutamic acid 409 with glutamine.
Molecular consequence: missense variant.
Genome position (GRCh38, 1-based): chr3:167,825,315, G>C. VCF-style: chr3-167825315-G-C. GRCh37 (hg19) VCF-style: chr3-167543103-G-C.
Other names: c.1225G>C, p.Glu409Gln (NM_005025.5); short protein forms E409Q.
Identifiers: ClinVar variation 1484963 (VCV001484963.8), dbSNP rs777674608, ClinGen allele CA355158150.